The following is an entry in ClinVar:

ClinVar aggregate classification (germline): Uncertain significance (1 of 4 stars; one submission).

gnomAD v4.1: 2 of 1,612,856 alleles (0.00012%); highest among the groups gnomAD compares: Non-Finnish European, 0.00017%; no homozygotes.

Submission:

Ambry Genetics
Classification: Uncertain significance. Last evaluated: 2024-10-21. Review status: criteria provided, single submitter. Criteria: Ambry Variant Classification Scheme 2023. Collection method: clinical testing. Allele origin: germline.
Comment: The p.D180N variant (also known as c.538G>A), located in coding exon 1 of the EGLN2 gene, results from a G to A substitution at nucleotide position 538. The aspartic acid at codon 180 is replaced by asparagine, an amino acid with highly similar properties. This amino acid position is conserved. In addition, this alteration is predicted to be tolerated by in silico analysis. Based on the available evidence, the clinical significance of this variant remains unclear.

NM_080732.4(EGLN2):c.538G>A (p.Asp180Asn)

Genes: EGLN2 (egl-9 family hypoxia inducible factor 2; plus strand), RAB4B-EGLN2 (RAB4B-EGLN2 readthrough (NMD candidate); plus strand). Cytogenetic location: 19q13.2.
Variant type: single nucleotide variant.
Coding change: c.538G>A on transcript NM_080732.4 (MANE Select); coding-DNA position 538, G replaced by A.
Protein change: p.Asp180Asn; replaces aspartic acid 180 with asparagine.
Molecular consequence: missense variant. On other transcripts: non-coding transcript variant (1).
Genome position (GRCh38, 1-based): chr19:40,801,110, G>A. VCF-style: chr19-40801110-G-A. GRCh37 (hg19) VCF-style: chr19-41307015-G-A.
Other names: c.538G>A, p.Asp180Asn (NM_053046.4); short protein forms D180N.
Identifiers: ClinVar variation 3507251 (VCV003507251.1).